The following is an entry in ClinVar:

NM_030665.4(RAI1):c.486C>T (p.Ala162=)

Gene: RAI1 (retinoic acid induced 1; plus strand). Cytogenetic location: 17p11.2.
Variant type: single nucleotide variant.
Coding change: c.486C>T on transcript NM_030665.4 (MANE Select); coding-DNA position 486, C replaced by T.
Protein change: p.Ala162=; no amino-acid change (alanine 162 retained).
Molecular consequence: synonymous variant.
Genome position (GRCh38, 1-based): chr17:17,793,434, C>T. VCF-style: chr17-17793434-C-T. GRCh37 (hg19) VCF-style: chr17-17696748-C-T.
Identifiers: ClinVar variation 1337483 (VCV001337483.12), dbSNP rs748628863, ClinGen allele CA8418133.

ClinVar aggregate classification (germline): Likely benign. Review status: criteria provided, multiple submitters, no conflicts (2 of 4 stars). 3 submissions from 3 submitters: Likely benign (3). Last evaluated 2026-07-16.

Conditions:
RAI1-related disorder. Also called: RAI1-related condition.

Allele frequency attached by ClinVar (database versions not stated): gnomAD exomes 0.00003 and 0.00008; ExAC 0.00008.
gnomAD v4.1: 49 of 1,613,330 alleles (0.003%); highest among the groups gnomAD compares: South Asian, 0.052%; no homozygotes.

Submissions (3):

PreventionGenetics, part of Exact Sciences
Classification: Likely benign for RAI1-related condition. Last evaluated: 2026-07-16. Review status: criteria provided, single submitter. Criteria: ACMG Guidelines, 2015. Collection method: clinical testing. Allele origin: germline.
Comment: This variant is classified as likely benign based on ACMG/AMP sequence variant interpretation guidelines (Richards et al. 2015 PMID: 25741868, with internal and published modifications).

Labcorp Genetics (formerly Invitae), Labcorp
Classification: Likely benign. Last evaluated: 2025-10-16. Review status: criteria provided, single submitter. Criteria: Invitae Variant Classification Sherloc (09022015). Collection method: clinical testing. Allele origin: germline.

Genetic Services Laboratory, University of Chicago
Classification: Likely benign. Last evaluated: 2019-12-27. Review status: criteria provided, single submitter. Criteria: ACMG Guidelines, 2015. Collection method: clinical testing. Allele origin: germline. Affected: no.